The following is an entry in ClinVar:

ClinVar aggregate classification (germline): Uncertain significance (1 of 4 stars; one submission).

Conditions:
Inborn genetic diseases. Identifiers: MedGen C0950123, MeSH D030342.

Submission:

Ambry Genetics
Classification: Uncertain significance for Inborn genetic diseases. Last evaluated: 2026-05-14. Review status: criteria provided, single submitter. Criteria: Ambry Variant Classification Scheme 2023. Collection method: clinical testing. Allele origin: germline.
Comment: The p.E1587K variant (also known as c.4759G>A), located in coding exon 1 of the SAMD9 gene, results from a G to A substitution at nucleotide position 4759. The glutamic acid at codon 1587 is replaced by lysine, an amino acid with similar properties. This amino acid position is conserved. In addition, this alteration is predicted to be tolerated by in silico analysis. Based on the available evidence, the clinical significance of this variant remains unclear.

NM_017654.4(SAMD9):c.4759G>A (p.Glu1587Lys)

Gene: SAMD9 (sterile alpha motif domain containing 9; minus strand). Cytogenetic location: 7q21.2.
Variant type: single nucleotide variant.
Coding change: c.4759G>A on transcript NM_017654.4 (MANE Select); coding-DNA position 4759, G replaced by A.
Protein change: p.Glu1587Lys; replaces glutamic acid 1587 with lysine.
Molecular consequence: missense variant.
Genome position (GRCh38, 1-based): chr7:93,101,339, C>T on the plus strand (G>A on the coding strand, the complement: SAMD9 is on the minus strand). VCF-style: chr7-93101339-C-T. GRCh37 (hg19) VCF-style: chr7-92730652-C-T.
Other names: c.4759G>A, p.Glu1587Lys (NM_001193307.2); short protein forms E1587K.
Identifiers: ClinVar variation 4863845 (VCV004863845.1).